The following is an entry in ClinVar:

ClinVar aggregate classification (germline): Uncertain significance (1 of 4 stars; one submission).

Conditions:
Neurofibromatosis, type 1 (NF1). Also called: Neurofibromatosis, type I; NEUROFIBROMATOSIS, TYPE I, SOMATIC; Peripheral type neurofibromatosis; VON RECKLINGHAUSEN DISEASE. Identifiers: Orphanet 636, MedGen C0027831, MONDO:0018975, OMIM 162200. Disease mechanism: loss of function.

Submission:

Labcorp Genetics (formerly Invitae), Labcorp
Classification: Uncertain significance for Neurofibromatosis, type 1. Last evaluated: 2016-04-07. Review status: criteria provided, single submitter. Criteria: Invitae Variant Classification Sherloc (09022015). Collection method: clinical testing. Allele origin: germline.
Comment: Algorithms developed to predict the effect of missense changes on protein structure and function do not agree on the potential impact of this missense change (SIFT: "Tolerated"; PolyPhen-2: "Probably Damaging"; Align-GVGD: "Class C0"). This sequence change replaces lysine with methionine at codon 2244 of the NF1 protein (p.Lys2244Met). The lysine residue is moderately conserved and there is a moderate physicochemical difference between lysine and methionine. This variant is not present in population databases (ExAC no frequency) and has not been reported in the literature in individuals with a NF1-related disease. In summary, this variant is a novel missense change with uncertain impact on protein function. It has been classified as a Variant of Uncertain Significance.

NM_001042492.3(NF1):c.6794A>T (p.Lys2265Met)

Gene: NF1 (neurofibromin 1; plus strand). Cytogenetic location: 17q11.2.
Variant type: single nucleotide variant.
Coding change: c.6794A>T on transcript NM_001042492.3 (MANE Select); coding-DNA position 6794, A replaced by T.
Protein change: p.Lys2265Met; replaces lysine 2265 with methionine.
Molecular consequence: missense variant.
Genome position (GRCh38, 1-based): chr17:31,338,114, A>T. VCF-style: chr17-31338114-A-T. GRCh37 (hg19) VCF-style: chr17-29665132-A-T.
Other names: c.6731A>T, p.Lys2244Met (NM_000267.4); short protein forms K2244M, K2265M.
Identifiers: ClinVar variation 404438 (VCV000404438.5), dbSNP rs1060500258, ClinGen allele CA16615672.
Genomic context (GRCh38, chr17:31,338,114, plus strand): 5'-AACCAAGAGCTCTTGTTGTCTTTGGGTGTATTAGCAAACGAGTGTCTCATGGGCAGATAA[A>T]GCAGATAATCCGTATTCTTAGCAAGGTACCTGTTCCGCCCTCACTTCTCCCAAATATTTA-3'
Protein context (NP_001035957.1, residues 2255-2275): ISKRVSHGQI[Lys2265Met]QIIRILSKAL